The following is an entry in ClinVar:

NM_001267550.2(TTN):c.3713C>A (p.Thr1238Asn)

Gene: TTN (titin; minus strand). Cytogenetic location: 2q31.2.
Variant type: single nucleotide variant.
Coding change: c.3713C>A on transcript NM_001267550.2 (MANE Select); coding-DNA position 3713, C replaced by A.
Protein change: p.Thr1238Asn; replaces threonine 1238 with asparagine.
Molecular consequence: missense variant.
Genome position (GRCh38, 1-based): chr2:178,780,016, G>T on the plus strand (C>A on the coding strand, the complement: TTN is on the minus strand). VCF-style: chr2-178780016-G-T. GRCh37 (hg19) VCF-style: chr2-179644743-G-T.
Other names: c.3713C>A, p.Thr1238Asn (NM_001256850.1, NM_133378.4, NM_133379.5); c.3575C>A, p.Thr1192Asn (NM_003319.4, NM_133432.3, NM_133437.4); short protein forms T1192N, T1238N.
Identifiers: ClinVar variation 984476 (VCV000984476.10), dbSNP rs147020824, ClinGen allele CA2005498.
Genomic context (GRCh38, chr2:178,780,016, plus strand): 5'-ATAATTTATGAAATTGTTTGGTTGGTCATTACTTTTATACTCACCTGATCTTCTACATAA[G>T]TTCTGACCACTACAGTATCTTTGGCCATTTTCTTCCTAATTAAGGCTTGTTCTTTTTCAT-3'
Protein context (NP_001254479.2, residues 1228-1248): KMAKDTVVVR[Thr1238Asn]YVEDQEFHIS

ClinVar aggregate classification (germline): Conflicting classifications of pathogenicity. Review status: criteria provided, conflicting classifications (1 of 4 stars). 5 submissions from 5 submitters: Uncertain significance (3); Likely benign (2). Last evaluated 2026-05-07.

Conditions:
TTN-related disorder. Also called: TTN-related condition; TTN-related disease; TTN-related disorders.
Cardiovascular phenotype. Identifiers: MedGen CN230736.

Allele frequency attached by ClinVar (database versions not stated): gnomAD 0.00007 and 0.00008; TOPMed 0.00007; ESP Exome Variant Server 0.00008.
gnomAD v4.1: 19 of 1,612,528 alleles (0.0012%); highest among the groups gnomAD compares: African/African-American, 0.019%; no homozygotes.

Submissions (5):

PreventionGenetics, part of Exact Sciences
Classification: Uncertain significance for TTN-related condition. Last evaluated: 2026-05-07. Review status: criteria provided, single submitter. Criteria: ACMG Guidelines, 2015. Collection method: clinical testing. Allele origin: germline.
Comment: The TTN c.3713C>A variant is predicted to result in the amino acid substitution p.Thr1238Asn. To our knowledge, this variant has not been reported in the literature. This variant is reported in 0.016% of alleles in individuals of African descent in gnomAD. At this time, the clinical significance of this variant is uncertain due to the absence of conclusive functional and genetic evidence.

Women's Health and Genetics/Laboratory Corporation of America, LabCorp
Classification: Uncertain significance. Last evaluated: 2020-10-26. Review status: criteria provided, single submitter. Criteria: LabCorp Variant Classification Summary - May 2015. Collection method: clinical testing. Allele origin: germline.
Comment: Variant summary: TTN c.3713C>A (p.Thr1238Asn) results in a non-conservative amino acid change located near Z-disk of the encoded protein sequence. Three of five in-silico tools predict a benign effect of the variant on protein function. The variant allele was found at a frequency of 2e-05 in 250796 control chromosomes. The available data on variant occurrences in the general population are insufficient to allow any conclusion about variant significance. To our knowledge, no occurrence of c.3713C>A in individuals affected with Dilated Cardiomyopathy and no experimental evidence demonstrating its impact on protein function have been reported. No clinical diagnostic laboratories have submitted clinical-significance assessments for this variant to ClinVar after 2014. Based on the evidence outlined above, the variant was classified as uncertain significance.

Revvity Omics, Revvity
Classification: Uncertain significance. Last evaluated: 2020-09-30. Review status: criteria provided, single submitter. Criteria: ACMG Guidelines, 2015. Collection method: clinical testing. Allele origin: germline.

Ambry Genetics
Classification: Likely benign for Cardiovascular phenotype. Last evaluated: 2020-09-11. Review status: criteria provided, single submitter. Criteria: Ambry Variant Classification Scheme 2023. Collection method: clinical testing. Allele origin: germline.

GeneDx
Classification: Likely benign. Last evaluated: 2018-11-27. Review status: criteria provided, single submitter. Criteria: GeneDx Variant Classification Process June 2021. Collection method: clinical testing. Allele origin: germline. Affected: yes.